The following is an entry in ClinVar:

ClinVar aggregate classification (germline): Uncertain significance (1 of 4 stars; one submission).

Allele frequency attached by ClinVar (database versions not stated): gnomAD exomes below 0.00001; ExAC 0.00001.
gnomAD v4.1: 2 of 1,614,068 alleles (0.00012%); highest among the groups gnomAD compares: Non-Finnish European, 0.00017%; no homozygotes.

Submission:

Labcorp Genetics (formerly Invitae), Labcorp
Classification: Uncertain significance. Last evaluated: 2024-11-05. Review status: criteria provided, single submitter. Criteria: Invitae Variant Classification Sherloc (09022015). Collection method: clinical testing. Allele origin: germline.
Comment: This sequence change replaces valine, which is neutral and non-polar, with glutamic acid, which is acidic and polar, at codon 2106 of the VCAN protein (p.Val2106Glu). This variant is present in population databases (rs755021289, gnomAD 0.0009%). This variant has not been reported in the literature in individuals affected with VCAN-related conditions. ClinVar contains an entry for this variant (Variation ID: 1461544). An algorithm developed to predict the effect of missense changes on protein structure and function outputs the following: PolyPhen-2: "Benign". The glutamic acid amino acid residue is found in multiple mammalian species, which suggests that this missense change does not adversely affect protein function. In summary, the available evidence is currently insufficient to determine the role of this variant in disease. Therefore, it has been classified as a Variant of Uncertain Significance.

NM_004385.5(VCAN):c.6317T>A (p.Val2106Glu)

Genes: VCAN (versican; plus strand), VCAN-AS1 (VCAN antisense RNA 1; minus strand). Cytogenetic location: 5q14.3.
Variant type: single nucleotide variant.
Coding change: c.6317T>A on transcript NM_004385.5 (MANE Select); coding-DNA position 6317, T replaced by A.
Protein change: p.Val2106Glu; replaces valine 2106 with glutamic acid.
Molecular consequence: missense variant. On other transcripts: intron variant (2).
Genome position (GRCh38, 1-based): chr5:83,539,320, T>A. VCF-style: chr5-83539320-T-A. GRCh37 (hg19) VCF-style: chr5-82835139-T-A.
Other names: c.3356T>A, p.Val1119Glu (NM_001164097.2); c.4004-6217T>A (NM_001164098.2); c.1043-6217T>A (NM_001126336.3); short protein forms V1119E, V2106E.
Identifiers: ClinVar variation 1461544 (VCV001461544.6), dbSNP rs755021289, ClinGen allele CA3333469.